The following is an entry in ClinVar:

ClinVar aggregate classification (germline): other (0 of 4 stars; one submission).

Conditions:
Familial colorectal cancer. Identifiers: MedGen CN280943, MONDO:0023113. Disease mechanism: loss of function.

Submission:

Systems Biology Platform Zhejiang California International NanoSystems Institute
Classification: other for Familial colorectal cancer. Review status: no assertion criteria provided. Collection method: not provided. Allele origin: unknown.
ClinVar note: Converted during submission from cancer to other.

NM_000038.6(APC):c.729+23T>G

Gene: APC (APC regulator of WNT signaling pathway; plus strand). Cytogenetic location: 5q22.2.
Variant type: single nucleotide variant.
Coding change: c.729+23T>G on transcript NM_000038.6 (MANE Select); 23 bases into the intron after coding-DNA position 729, T replaced by G.
Molecular consequence: intron variant.
Genome position (GRCh38, 1-based): chr5:112,792,552, T>G. VCF-style: chr5-112792552-T-G. GRCh37 (hg19) VCF-style: chr5-112128249-T-G.
Other names: c.729+23T>G (NM_001354895.2, NM_001127510.3, NM_001354896.2 and 1 more transcripts); c.759+23T>G (NM_001354897.2, NM_001354902.2); c.676-8727T>G (NM_001127511.3); c.654+23T>G (NM_001354898.2, NM_001354904.2); c.-307+23T>G (NM_001354906.2); c.646-8727T>G (NM_001354899.2); c.552+23T>G (NM_001354900.2, NM_001354901.2, NM_001354905.2).
Identifiers: ClinVar variation 82479 (VCV000082479.2), dbSNP rs75111475, ClinGen allele CA013148.
Genomic context (GRCh38, chr5:112,792,552, plus strand): 5'-TACGACAGCTTTTACAGTCCCAAGCAACAGAAGCAGAGGTTAGTAAATTGCCTTTCTTGT[T>G]TGTGGGTATAAAAATAGGTAGTTATTCTGAGAAAAGAAAACATGTATAATTTAATGTGAC-3'